The following is an entry in ClinVar:

NM_020937.4(FANCM):c.4013G>T (p.Ser1338Ile)

Gene: FANCM (FA complementation group M; plus strand). Cytogenetic location: 14q21.2.
Variant type: single nucleotide variant.
Coding change: c.4013G>T on transcript NM_020937.4 (MANE Select); coding-DNA position 4013, G replaced by T.
Protein change: p.Ser1338Ile; replaces serine 1338 with isoleucine.
Molecular consequence: missense variant.
Genome position (GRCh38, 1-based): chr14:45,176,767, G>T. VCF-style: chr14-45176767-G-T. GRCh37 (hg19) VCF-style: chr14-45645970-G-T.
Other names: c.3935G>T, p.Ser1312Ile (NM_001308133.2); short protein forms S1312I, S1338I.
Identifiers: ClinVar variation 3368649 (VCV003368649.1).

ClinVar aggregate classification (germline): Uncertain significance (1 of 4 stars; one submission).

Submission:

GeneDx
Classification: Uncertain significance. Last evaluated: 2024-01-31. Review status: criteria provided, single submitter. Criteria: GeneDx Variant Classification Process June 2021. Collection method: clinical testing. Allele origin: germline. Affected: yes.
Comment: Not observed at significant frequency in large population cohorts (gnomAD); In silico analysis supports that this missense variant has a deleterious effect on protein structure/function; Has not been previously published as pathogenic or benign to our knowledge